The following is an entry in ClinVar:

ClinVar aggregate classification (germline): Likely pathogenic (1 of 4 stars; one submission).

Conditions:
Bosch-Boonstra-Schaaf optic atrophy syndrome (BBSOAS). Also called: NR2F1-Related Neurodevelopmental Disorder. Identifiers: Orphanet 401777, MedGen C3810363, MONDO:0014320, OMIM 615722.

Submission:

3billion
Classification: Likely pathogenic for Bosch-Boonstra-Schaaf optic atrophy syndrome. Last evaluated: 2025-05-08. Review status: criteria provided, single submitter. Criteria: ACMG Guidelines, 2015. Collection method: clinical testing. Allele origin: germline. Affected: yes.
Comment: The variant is not observed in the gnomAD v4.1.0 dataset. Predicted Consequence/Location: Stop-gained (nonsense): predicted to result in a loss or disruption of normal protein function through protein truncation. The predicted truncated protein may be shortened by more than 10% and a dominant negative effect has been reported near truncated region. Therefore, this variant is classified as Likely pathogenic according to the recommendation of ACMG/AMP guideline.

NM_005654.6(NR2F1):c.957C>G (p.Tyr319Ter)

Gene: NR2F1 (nuclear receptor subfamily 2 group F member 1; plus strand). Cytogenetic location: 5q15.
Variant type: single nucleotide variant.
Coding change: c.957C>G on transcript NM_005654.6 (MANE Select); coding-DNA position 957, C replaced by G.
Protein change: p.Tyr319Ter; replaces tyrosine 319 with a stop codon.
Molecular consequence: nonsense.
Genome position (GRCh38, 1-based): chr5:93,588,410, C>G. VCF-style: chr5-93588410-C-G. GRCh37 (hg19) VCF-style: chr5-92924116-C-G.
Other names: c.507C>G, p.Tyr169Ter (NM_001410754.1); short protein forms Y169*, Y319*.
Identifiers: ClinVar variation 4854352 (VCV004854352.1).